The following is an entry in ClinVar:

NM_000059.4(BRCA2):c.7966C>T (p.Leu2656=)

Gene: BRCA2 (BRCA2 DNA repair associated; plus strand). Cytogenetic location: 13q13.1.
Variant type: single nucleotide variant.
Coding change: c.7966C>T on transcript NM_000059.4 (MANE Select); coding-DNA position 7966, C replaced by T.
Protein change: p.Leu2656=; no amino-acid change (leucine 2656 retained).
Molecular consequence: synonymous variant.
Genome position (GRCh38, 1-based): chr13:32,362,683, C>T. VCF-style: chr13-32362683-C-T. GRCh37 (hg19) VCF-style: chr13-32936820-C-T.
Identifiers: ClinVar variation 918283 (VCV000918283.7), dbSNP rs2072748978, ClinGen allele CA483261053.
Genomic context (GRCh38, chr13:32,362,683, plus strand): 5'-TGTGCCTTTCCTAAGGAATTTGCTAATAGATGCCTAAGCCCAGAAAGGGTGCTTCTTCAA[C>T]TAAAATACAGGCAAGTTTAAAGCATTACATTACGTAATCATATACGGCAGTATGGTTAAG-3'
Protein context (NP_000050.3, residues 2646-2666): CLSPERVLLQ[Leu2656=]KYRYDTEIDR

ClinVar aggregate classification (germline): Likely benign. Review status: criteria provided, multiple submitters, no conflicts (2 of 4 stars). 4 submissions from 4 submitters: Likely benign (4). Last evaluated 2024-07-26.

Conditions:
Hereditary cancer-predisposing syndrome. Also called: Hereditary Cancer Syndrome; Hereditary neoplastic syndrome; Neoplastic Syndromes, Hereditary; Tumor predisposition. Identifiers: Orphanet 140162, MedGen C0027672, MeSH D009386, MONDO:0015356.
Hereditary breast ovarian cancer syndrome. Also called: BRCA1- and BRCA2-Associated Hereditary Breast and Ovarian Cancer; Hereditary breast and ovarian cancer syndrome; Hereditary breast and ovarian cancer syndrome (HBOC); Breast and ovarian cancer; Hereditary breast and ovarian cancer; Hereditary breast and/or ovarian cancer syndrome. Identifiers: Orphanet 145, MedGen C0677776, MeSH D061325, MONDO:0003582. Disease mechanism: loss of function.
Breast-ovarian cancer, familial, susceptibility to, 2 (BROVCA2). Also called: BRCA2 Hereditary Breast and Ovarian Cancer. Identifiers: Orphanet 145, MedGen C2675520, MONDO:0012933, OMIM 612555. Disease mechanism: loss of function.

Allele frequency attached by ClinVar (database versions not stated): gnomAD exomes below 0.00001.
gnomAD v4.1: 1 of 1,614,140 alleles (0.000062%); highest among the groups gnomAD compares: Non-Finnish European, 0.000085%; no homozygotes.

Submissions (4):

Ambry Genetics
Classification: Likely benign for Hereditary cancer-predisposing syndrome. Last evaluated: 2024-07-26. Review status: criteria provided, single submitter. Criteria: Ambry Variant Classification Scheme 2023. Collection method: clinical testing. Allele origin: germline.

All of Us Research Program, National Institutes of Health
Classification: Likely benign for Breast-ovarian cancer, familial, susceptibility to, 2. Last evaluated: 2023-05-31. Review status: criteria provided, single submitter. Criteria: ACMG Guidelines, 2015. Collection method: clinical testing. Allele origin: germline. Inheritance: Autosomal dominant inheritance. Observed: 1 variant allele, 1 heterozygote.
Comment: This study involves interpretation of variants in research participants for the purpose of population health screening. Participant phenotype was not available at the time of variant classification. Additional details can be found in publication PMID: 35346344, PMCID: PMC8962531

Labcorp Genetics (formerly Invitae), Labcorp
Classification: Likely benign for Hereditary breast ovarian cancer syndrome. Last evaluated: 2023-05-24. Review status: criteria provided, single submitter. Criteria: Invitae Variant Classification Sherloc (09022015). Collection method: clinical testing. Allele origin: germline.

Color Diagnostics, LLC DBA Color Health
Classification: Likely benign for Hereditary cancer-predisposing syndrome. Last evaluated: 2019-10-23. Review status: criteria provided, single submitter. Criteria: ACMG Guidelines, 2015. Collection method: clinical testing. Allele origin: germline.